The following is an entry in ClinVar:

ClinVar aggregate classification (germline): Uncertain significance (1 of 4 stars; one submission).

gnomAD v4.1: 11 of 1,614,050 alleles (0.00068%); highest among the groups gnomAD compares: South Asian, 0.0011%; no homozygotes.

Submission:

Labcorp Genetics (formerly Invitae), Labcorp
Classification: Uncertain significance. Last evaluated: 2025-06-27. Review status: criteria provided, single submitter. Criteria: Invitae Variant Classification Sherloc (09022015). Collection method: clinical testing. Allele origin: germline.
Comment: This sequence change replaces valine, which is neutral and non-polar, with leucine, which is neutral and non-polar, at codon 94 of the ACAN protein (p.Val94Leu). This variant is present in population databases (rs370626315, gnomAD 0.004%). This variant has not been reported in the literature in individuals affected with ACAN-related conditions. Invitae Evidence Modeling of protein sequence and biophysical properties (such as structural, functional, and spatial information, amino acid conservation, physicochemical variation, residue mobility, and thermodynamic stability) indicates that this missense variant is not expected to disrupt ACAN protein function with a negative predictive value of 80%. In summary, the available evidence is currently insufficient to determine the role of this variant in disease. Therefore, it has been classified as a Variant of Uncertain Significance.

NM_001369268.1(ACAN):c.280G>C (p.Val94Leu)

Gene: ACAN (aggrecan; plus strand). Cytogenetic location: 15q26.1.
Variant type: single nucleotide variant.
Coding change: c.280G>C on transcript NM_001369268.1 (MANE Select); coding-DNA position 280, G replaced by C.
Protein change: p.Val94Leu; replaces valine 94 with leucine.
Molecular consequence: missense variant.
Genome position (GRCh38, 1-based): chr15:88,838,872, G>C. VCF-style: chr15-88838872-G-C. GRCh37 (hg19) VCF-style: chr15-89382103-G-C.
Other names: c.280G>C, p.Val94Leu (NM_001135.4, NM_001411096.1, NM_001411097.1 and 1 more transcripts); short protein forms V94L.
Identifiers: ClinVar variation 4705481 (VCV004705481.1).